The following is an entry in ClinVar:

ClinVar aggregate classification (germline): Likely benign (1 of 4 stars; one submission).

Conditions:
NOTCH3-related disorder. Also called: NOTCH3-related disorders; NOTCH3-related condition.

Submission:

PreventionGenetics, part of Exact Sciences
Classification: Likely benign for NOTCH3-related condition. Last evaluated: 2024-12-07. Review status: criteria provided, single submitter. Criteria: ACMG Guidelines, 2015. Collection method: clinical testing. Allele origin: germline.
Comment: This variant is classified as likely benign based on ACMG/AMP sequence variant interpretation guidelines (Richards et al. 2015 PMID: 25741868, with internal and published modifications).

NM_000435.3(NOTCH3):c.5979C>T (p.Asp1993=)

Gene: NOTCH3 (notch receptor 3; minus strand). Cytogenetic location: 19p13.12.
Variant type: single nucleotide variant.
Coding change: c.5979C>T on transcript NM_000435.3 (MANE Select); coding-DNA position 5979, C replaced by T.
Protein change: p.Asp1993=; no amino-acid change (aspartic acid 1993 retained).
Molecular consequence: synonymous variant.
Genome position (GRCh38, 1-based): chr19:15,161,649, G>A on the plus strand (C>T on the coding strand, the complement: NOTCH3 is on the minus strand). VCF-style: chr19-15161649-G-A. GRCh37 (hg19) VCF-style: chr19-15272460-G-A.
Identifiers: ClinVar variation 4997763 (VCV004997763.1).